The following is an entry in ClinVar:

NM_001388308.1(KIF12):c.896dup

Gene: KIF12 (kinesin family member 12; minus strand). Cytogenetic location: 9q32.
Variant type: Duplication.
Coding change: c.896dup on transcript NM_001388308.1 (MANE Select); coding-DNA position 896, one base duplicated (G; older notation c.896dupG).
Molecular consequence: splice acceptor variant.
Genome position (GRCh38, 1-based): chr9:114,095,332, C duplicated on the plus strand (G on the coding strand, the reverse complement: KIF12 is on the minus strand); the first of 2 consecutive C bases (chr9:114,095,332-114,095,333); duplicating either gives the same sequence. VCF-style (leftmost placement, unchanged base first): chr9-114095331-A-AC. GRCh37 (hg19) VCF-style: chr9-116857611-A-AC.
Identifiers: ClinVar variation 4819688 (VCV004819688.1).
Genomic context (GRCh38, chr9:114,095,331, plus strand): 5'-GTCCCGGAAAGGGATGTGGCTCTGCTTCCGCTGTGGGTCCAGCAGCAGGGAGATGCAGTG[A>AC]CCTGGGGAGGGAGAGCAAGAGTTAGGAAGGTTACATCACTTGCCTAGGGCCATCAGGCTG-3'

ClinVar aggregate classification (germline): Likely pathogenic (1 of 4 stars; one submission).

Conditions:
Cholestasis, progressive familial intrahepatic, 8. Identifiers: MedGen C5562045, MONDO:0030505, OMIM 619662.

Submission:

Division of Genetic & Genomic Pathology, Hong Kong Children's Hospital
Classification: Likely pathogenic for Cholestasis, progressive familial intrahepatic, 8. Last evaluated: 2024-06-12. Review status: criteria provided, single submitter. Criteria: ACMG Guidelines, 2015. Collection method: clinical testing. Allele origin: germline. Affected: yes.
Comment: Homozygous KIF12 c.896dup is a 1-nucleotide duplication located in exon 10 (out of 19 exons). It disrupts the original reading frame of the gene and is predicted to result in loss of protein function by nonsense-mediated mRNA decay. The variant is absent from control populations (gnomAD v2.1.1 and v4.1.0) and has not been reported in Human Gene Mutation Database (HGMD, v2024.1) or ClinVar. For these reasons, the variant is classified as likely pathogenic.